The following is an entry in ClinVar:

ClinVar aggregate classification (germline): Likely benign. Review status: criteria provided, single submitter (1 of 4 stars). 2 submissions from 2 submitters: Likely benign (1). 1 of the submissions does not count toward it. Last evaluated 2023-12-13.

Conditions:
Bardet-Biedl syndrome (BBS). Identifiers: Orphanet 110, MedGen C0752166, MONDO:0015229.
BBS10-related disorder. Also called: BBS10-related condition.

Allele frequency attached by ClinVar (database versions not stated): ExAC 0.00001; gnomAD exomes 0.00001; gnomAD 0.00002; TOPMed 0.00004.
gnomAD v4.1: 19 of 1,614,012 alleles (0.0012%); highest among the groups gnomAD compares: Non-Finnish European, 0.0014%; no homozygotes.

Submissions (2):

Labcorp Genetics (formerly Invitae), Labcorp
Classification: Likely benign for Bardet-Biedl syndrome. Last evaluated: 2023-12-13. Review status: criteria provided, single submitter. Criteria: Invitae Variant Classification Sherloc (09022015). Collection method: clinical testing. Allele origin: germline.

PreventionGenetics, part of Exact Sciences
Classification: Likely benign for BBS10-related condition. Last evaluated: 2019-12-04. Review status: no assertion criteria provided. Collection method: clinical testing. Allele origin: germline. Not counted in ClinVar's aggregate classification.
Comment: This variant is classified as likely benign based on ACMG/AMP sequence variant interpretation guidelines (Richards et al. 2015 PMID: 25741868, with internal and published modifications).

NM_024685.4(BBS10):c.1527C>G (p.Pro509=)

Gene: BBS10 (Bardet-Biedl syndrome 10; minus strand). Cytogenetic location: 12q21.2.
Variant type: single nucleotide variant.
Coding change: c.1527C>G on transcript NM_024685.4 (MANE Select); coding-DNA position 1527, C replaced by G.
Protein change: p.Pro509=; no amino-acid change (proline 509 retained).
Molecular consequence: synonymous variant.
Genome position (GRCh38, 1-based): chr12:76,346,458, G>C on the plus strand (C>G on the coding strand, the complement: BBS10 is on the minus strand). VCF-style: chr12-76346458-G-C. GRCh37 (hg19) VCF-style: chr12-76740238-G-C.
Other names: c.1527C>G (NM_024685.3).
Identifiers: ClinVar variation 1120293 (VCV001120293.11), dbSNP rs762271852, ClinGen allele CA6694156.